The following is an entry in ClinVar:

ClinVar aggregate classification (germline): Uncertain significance (1 of 4 stars; one submission).

Submission:

Labcorp Genetics (formerly Invitae), Labcorp
Classification: Uncertain significance. Last evaluated: 2023-02-01. Review status: criteria provided, single submitter. Criteria: Invitae Variant Classification Sherloc (09022015). Collection method: clinical testing. Allele origin: germline.
Comment: This sequence change falls in intron 2 of the RINT1 gene. It does not directly change the encoded amino acid sequence of the RINT1 protein. It affects a nucleotide within the consensus splice site. This variant is not present in population databases (gnomAD no frequency). This variant has not been reported in the literature in individuals affected with RINT1-related conditions. Variants that disrupt the consensus splice site are a relatively common cause of aberrant splicing (PMID: 17576681, 9536098). Algorithms developed to predict the effect of sequence changes on RNA splicing suggest that this variant is not likely to affect RNA splicing. In summary, the available evidence is currently insufficient to determine the role of this variant in disease. Therefore, it has been classified as a Variant of Uncertain Significance.

Literature cited by the submitters: PubMed 17576681; PubMed 9536098.

NM_021930.6(RINT1):c.88+6C>G

Gene: RINT1 (RAD50 interactor 1; plus strand). Cytogenetic location: 7q22.3.
Variant type: single nucleotide variant.
Coding change: c.88+6C>G on transcript NM_021930.6 (MANE Select); 6 bases into the intron after coding-DNA position 88, C replaced by G.
Molecular consequence: intron variant.
Genome position (GRCh38, 1-based): chr7:105,532,875, C>G. VCF-style: chr7-105532875-C-G. GRCh37 (hg19) VCF-style: chr7-105173322-C-G.
Other names: c.-932+6C>G (NM_001346600.2); c.-835+6C>G (NM_001346601.2); c.-455+6C>G (NM_001346603.2); c.-10+6C>G (NM_001346599.2).
Identifiers: ClinVar variation 2718237 (VCV002718237.3), dbSNP rs1790089381, ClinGen allele CA2578984214.